The following is an entry in ClinVar:

ClinVar aggregate classification (germline): Uncertain significance. Review status: criteria provided, multiple submitters, no conflicts (2 of 4 stars). 2 submissions from 2 submitters: Uncertain significance (2). Last evaluated 2022-11-21.

Conditions:
Hereditary cancer-predisposing syndrome. Also called: Neoplastic Syndromes, Hereditary; Tumor predisposition; Hereditary neoplastic syndrome; Hereditary Cancer Syndrome. Identifiers: Orphanet 140162, MedGen C0027672, MeSH D009386, MONDO:0015356.

Submissions (2):

Color Diagnostics, LLC DBA Color Health
Classification: Uncertain significance for Hereditary cancer-predisposing syndrome. Last evaluated: 2022-11-21. Review status: criteria provided, single submitter. Criteria: ACMG Guidelines, 2015. Collection method: clinical testing. Allele origin: germline.
Comment: This missense variant replaces arginine with serine at codon 1166 of the MSH6 protein. Computational prediction is inconclusive regarding the impact of this variant on protein structure and function (internally defined REVEL score threshold 0.5 < inconclusive < 0.7, PMID: 27666373). To our knowledge, functional studies have not been reported for this variant. This variant has not been reported in individuals affected with MSH6-related disorders in the literature. This variant has not been identified in the general population by the Genome Aggregation Database (gnomAD). The available evidence is insufficient to determine the role of this variant in disease conclusively. Therefore, this variant is classified as a Variant of Uncertain Significance.

Ambry Genetics
Classification: Uncertain significance for Hereditary cancer-predisposing syndrome. Last evaluated: 2019-06-24. Review status: criteria provided, single submitter. Criteria: Ambry Variant Classification Scheme 2023. Collection method: clinical testing. Allele origin: germline.
Comment: The p.R1166S variant (also known as c.3498G>T), located in coding exon 6 of the MSH6 gene, results from a G to T substitution at nucleotide position 3498. The arginine at codon 1166 is replaced by serine, an amino acid with dissimilar properties. This amino acid position is well conserved in available vertebrate species. In addition, the in silico prediction for this alteration is inconclusive. Since supporting evidence is limited at this time, the clinical significance of this alteration remains unclear.

NM_000179.3(MSH6):c.3498G>T (p.Arg1166Ser)

Gene: MSH6 (mutS homolog 6; plus strand). Cytogenetic location: 2p16.3.
Variant type: single nucleotide variant.
Coding change: c.3498G>T on transcript NM_000179.3 (MANE Select); coding-DNA position 3498, G replaced by T.
Protein change: p.Arg1166Ser; replaces arginine 1166 with serine.
Molecular consequence: missense variant.
Genome position (GRCh38, 1-based): chr2:47,804,969, G>T. VCF-style: chr2-47804969-G-T. GRCh37 (hg19) VCF-style: chr2-48032108-G-T.
Other names: c.3108G>T, p.Arg1036Ser (NM_001281492.2); c.2592G>T, p.Arg864Ser (NM_001281493.2, NM_001281494.2); short protein forms R864S, R1166S, R1036S.
Identifiers: ClinVar variation 823848 (VCV000823848.6), dbSNP rs1553332214, ClinGen allele CA346760165.
Genomic context (GRCh38, chr2:47,804,969, plus strand): 5'-GGCTGGCTTATTAGCTGTAATGGCCCAGATGGGTTGTTACGTCCCTGCTGAAGTGTGCAG[G>T]CTCACACCAATTGATAGAGTGTTTACTAGACTTGGTGCCTCAGACAGAATAATGTCAGGT-3'
Protein context (NP_000170.1, residues 1156-1176): MGCYVPAEVC[Arg1166Ser]LTPIDRVFTR